The following is an entry in ClinVar:

ClinVar aggregate classification (germline): Uncertain significance (1 of 4 stars; one submission).

Submission:

Ambry Genetics
Classification: Uncertain significance. Last evaluated: 2025-04-28. Review status: criteria provided, single submitter. Criteria: Ambry Variant Classification Scheme 2023. Collection method: clinical testing. Allele origin: germline.
Comment: The p.V154I variant (also known as c.460G>A), located in coding exon 1 of the TET2 gene, results from a G to A substitution at nucleotide position 460. The valine at codon 154 is replaced by isoleucine, an amino acid with highly similar properties. This amino acid position is conserved. In addition, this alteration is predicted to be tolerated by in silico analysis. Based on the available evidence, the clinical significance of this variant remains unclear.

NM_001127208.3(TET2):c.460G>A (p.Val154Ile)

Genes: TET2 (tet methylcytosine dioxygenase 2; plus strand), TET2-AS1 (TET2 antisense RNA 1; minus strand). Cytogenetic location: 4q24.
Variant type: single nucleotide variant.
Coding change: c.460G>A on transcript NM_001127208.3 (MANE Select); coding-DNA position 460, G replaced by A.
Protein change: p.Val154Ile; replaces valine 154 with isoleucine.
Molecular consequence: missense variant.
Genome position (GRCh38, 1-based): chr4:105,234,402, G>A. VCF-style: chr4-105234402-G-A. GRCh37 (hg19) VCF-style: chr4-106155559-G-A.
Other names: c.460G>A, p.Val154Ile (NM_017628.4); short protein forms V154I.
Identifiers: ClinVar variation 3967596 (VCV003967596.1).